The following is an entry in ClinVar:

NM_000059.4(BRCA2):c.7772A>G (p.Asn2591Ser)

Gene: BRCA2 (BRCA2 DNA repair associated; plus strand). Cytogenetic location: 13q13.1.
Variant type: single nucleotide variant.
Coding change: c.7772A>G on transcript NM_000059.4 (MANE Select); coding-DNA position 7772, A replaced by G.
Protein change: p.Asn2591Ser; replaces asparagine 2591 with serine.
Molecular consequence: missense variant.
Genome position (GRCh38, 1-based): chr13:32,357,896, A>G. VCF-style: chr13-32357896-A-G. GRCh37 (hg19) VCF-style: chr13-32932033-A-G.
Other names: short protein forms N2591S.
Identifiers: ClinVar variation 52407 (VCV000052407.17), dbSNP rs80359006, ClinGen allele CA025270.

ClinVar aggregate classification (germline): Conflicting classifications of pathogenicity. Review status: criteria provided, conflicting classifications (1 of 4 stars). 8 submissions from 8 submitters: Uncertain significance (6); Likely benign (1). 1 of the submissions does not count toward it. Last evaluated 2025-06-19.

Conditions:
Hereditary breast ovarian cancer syndrome. Also called: Hereditary breast and ovarian cancer syndrome; Hereditary breast and ovarian cancer; Hereditary breast and ovarian cancer syndrome (HBOC); Breast and ovarian cancer; Hereditary breast and/or ovarian cancer syndrome; BRCA1- and BRCA2-Associated Hereditary Breast and Ovarian Cancer. Identifiers: Orphanet 145, MedGen C0677776, MeSH D061325, MONDO:0003582. Disease mechanism: loss of function.
Hereditary cancer-predisposing syndrome. Also called: Neoplastic Syndromes, Hereditary; Tumor predisposition; Hereditary neoplastic syndrome; Hereditary Cancer Syndrome. Identifiers: Orphanet 140162, MedGen C0027672, MeSH D009386, MONDO:0015356.
Breast neoplasm. Also called: Neoplasm of breast; Breast tumor; Neoplasm of the breast; Breast Neoplasms. Identifiers: MedGen C1458155, MeSH D001943, MONDO:0021100, HP:0100013. Disease mechanism: gain of function.
Breast-ovarian cancer, familial, susceptibility to, 2 (BROVCA2). Also called: BRCA2 Hereditary Breast and Ovarian Cancer. Identifiers: Orphanet 145, MedGen C2675520, MONDO:0012933, OMIM 612555. Disease mechanism: loss of function.

Allele frequency attached by ClinVar (database versions not stated): gnomAD exomes below 0.00001.
gnomAD v4.1: 1 of 1,614,172 alleles (0.000062%); highest among the groups gnomAD compares: Non-Finnish European, 0.000085%; no homozygotes.

Submissions (8):

Color Diagnostics, LLC DBA Color Health
Classification: Uncertain significance for Hereditary cancer-predisposing syndrome. Last evaluated: 2025-06-19. Review status: criteria provided, single submitter. Criteria: ACMG Guidelines, 2015. Collection method: clinical testing. Allele origin: germline.
Comment: This missense variant replaces asparagine with serine at codon 2591 of the BRCA2 protein. Computational prediction suggests that this variant may not impact protein structure and function. To our knowledge, functional studies have not been reported for this variant. This variant has not been reported in individuals affected with hereditary cancer in the literature and has been reported in 2 unaffected individuals (PMID: 33471991Leiden Open Variation Database DB-ID BRCA2_000229). This variant has not been identified in the general population by the Genome Aggregation Database (gnomAD). The available evidence is insufficient to determine the role of this variant in disease conclusively. Therefore, this variant is classified as a Variant of Uncertain Significance.

Ambry Genetics
Classification: Likely benign for Hereditary cancer-predisposing syndrome. Last evaluated: 2025-05-19. Review status: criteria provided, single submitter. Criteria: Ambry Variant Classification Scheme 2023. Collection method: clinical testing. Allele origin: germline.

Labcorp Genetics (formerly Invitae), Labcorp
Classification: Uncertain significance for Hereditary breast ovarian cancer syndrome. Last evaluated: 2024-09-09. Review status: criteria provided, single submitter. Criteria: Invitae Variant Classification Sherloc (09022015). Collection method: clinical testing. Allele origin: germline.
Comment: This sequence change replaces asparagine, which is neutral and polar, with serine, which is neutral and polar, at codon 2591 of the BRCA2 protein (p.Asn2591Ser). This variant is not present in population databases (gnomAD no frequency). This variant has not been reported in the literature in individuals affected with BRCA2-related conditions. ClinVar contains an entry for this variant (Variation ID: 52407). Invitae Evidence Modeling of protein sequence and biophysical properties (such as structural, functional, and spatial information, amino acid conservation, physicochemical variation, residue mobility, and thermodynamic stability) indicates that this missense variant is not expected to disrupt BRCA2 protein function with a negative predictive value of 95%. Studies have shown that this missense change does not affect mRNA splicing (PMID: 29881398). In summary, the available evidence is currently insufficient to determine the role of this variant in disease. Therefore, it has been classified as a Variant of Uncertain Significance.

Women's Health and Genetics/Laboratory Corporation of America, LabCorp
Classification: Uncertain significance. Last evaluated: 2022-06-27. Review status: criteria provided, single submitter. Criteria: LabCorp Variant Classification Summary - May 2015. Collection method: clinical testing. Allele origin: germline.
Comment: Variant summary: BRCA2 c.7772A>G (p.Asn2591Ser) results in a conservative amino acid change located in the breast cancer type 2 susceptibility protein, helical domain (IPR015252) of the encoded protein sequence. Four of five in-silico tools predict a benign effect of the variant on protein function. The variant was absent in 251432 control chromosomes (gnomAD). The available data on variant occurrences in the general population are insufficient to allow any conclusion about variant significance. c.7772A>G has been reported in the literature in a tumor from an individual with breast cancer, however it was not found in the germline of this individual (Zhong_2016). This report does not provide unequivocal conclusions about association of the variant with Hereditary Breast And Ovarian Cancer Syndrome. The variant was predicted to have a neutral effect on protein function by a protein likelihood ratio model (Karchin_ 2008) and it was not found to impact splicing (Fraile-Bethencourt_2018). Three clinical diagnostic laboratories have submitted clinical-significance assessments for this variant to ClinVar after 2014 and all laboratories classified the variant as uncertain significance. Based on the evidence outlined above, the variant was classified as uncertain significance.

Sema4
Classification: Uncertain significance for Hereditary cancer-predisposing syndrome. Last evaluated: 2022-01-12. Review status: criteria provided, single submitter. Criteria: Sema4 Curation Guidelines. Collection method: curation. Allele origin: germline.
Comment: To the best of our knowledge, the BRCA2 c.7772A>G (p.N2591S) variant has not been reported in individuals with BRCA2-related disease. It was not observed in the large and broad cohorts of the Genome Aggregation Database. The variant has been reported in ClinVar (Variation ID 52407). In silico predictions of the variant's effect on protein function are inconclusive. A minigene assay has demonstrated that the variant does not impact mRNA splicing (PMID: 29881398). The evidence is insufficient to meet ACMG/AMP criteria for classifying the variant as benign or pathogenic. Thus, the clinical significance of this variant is currently uncertain.

Institute for Biomarker Research, Medical Diagnostic Laboratories, L.L.C.
Classification: Uncertain significance for Hereditary cancer-predisposing syndrome. Last evaluated: 2018-05-23. Review status: criteria provided, single submitter. Criteria: ACMG Guidelines, 2015. Collection method: clinical testing. Allele origin: germline.

Laboratory of Molecular Diagnosis of Cancer, West China Hospital, Sichuan University
Classification: Uncertain significance for Breast neoplasm. Last evaluated: 2015-11-01. Review status: criteria provided, single submitter. Criteria: ACMG Guidelines, 2015. Collection method: research. Allele origin: somatic. Affected: yes. Observed: 1 variant allele.

Breast Cancer Information Core (BIC) (BRCA2)
Classification: Uncertain significance for Breast-ovarian cancer, familial 2. Last evaluated: 2003-12-23. Review status: no assertion criteria provided. Collection method: clinical testing. Allele origin: germline. Affected: yes. Observed: 1 variant allele. Not counted in ClinVar's aggregate classification.

Literature cited by the submitters: PubMed 33471991 (cited by Color Diagnostics, LLC DBA Color Health); PubMed 29881398 (cited by 3 submitters); PubMed 19043619 (cited by Women's Health and Genetics/Laboratory Corporation of America, LabCorp); PubMed 27257965 (cited by Women's Health and Genetics/Laboratory Corporation of America, LabCorp and Laboratory of Molecular Diagnosis of Cancer, West China Hospital, Sichuan University).